The following is an entry in ClinVar:

NM_004364.5(CEBPA):c.-1C>G

Genes: CEBPA (CCAAT enhancer binding protein alpha; minus strand), LOC130064183 (ATAC-STARR-seq lymphoblastoid silent region 10495; plus strand). Cytogenetic location: 19q13.11.
Variant type: single nucleotide variant.
Coding change: c.-1C>G on transcript NM_004364.5 (MANE Select); 1 bases upstream of the start codon, C replaced by G.
Molecular consequence: 5 prime UTR variant. On other transcripts: synonymous variant (1).
Genome position (GRCh38, 1-based): chr19:33,302,415, G>C on the plus strand (C>G on the coding strand, the complement: CEBPA is on the minus strand). VCF-style: chr19-33302415-G-C. GRCh37 (hg19) VCF-style: chr19-33793321-G-C.
Other names: c.-358C>G (NM_001285829.2); c.105C>G, p.Pro35= (NM_001287424.2); c.-43C>G (NM_001287435.2).
Identifiers: ClinVar variation 3999970 (VCV003999970.1).

ClinVar aggregate classification (germline): Uncertain significance (1 of 4 stars; one submission).

Conditions:
Inborn genetic diseases. Identifiers: MedGen C0950123, MeSH D030342.

Submission:

Ambry Genetics
Classification: Uncertain significance for Inborn genetic diseases. Last evaluated: 2025-03-20. Review status: criteria provided, single submitter. Criteria: Ambry Variant Classification Scheme 2023. Collection method: clinical testing. Allele origin: germline.
Comment: The c.-1C>G variant is located in the 5' untranslated region (5&rsquo; UTR) of the CEBPA gene. This variant results from a C to G substitution 1 bases upstream from the first translated codon. This nucleotide position is well conserved in available vertebrate species. Based on the available evidence, the clinical significance of this variant remains unclear.